The following is an entry in ClinVar:

NM_002693.3(POLG):c.3088A>G (p.Arg1030Gly)

Gene: POLG (DNA polymerase gamma, catalytic subunit; minus strand). Cytogenetic location: 15q26.1.
Variant type: single nucleotide variant.
Coding change: c.3088A>G on transcript NM_002693.3 (MANE Select); coding-DNA position 3088, A replaced by G.
Protein change: p.Arg1030Gly; replaces arginine 1030 with glycine.
Molecular consequence: missense variant.
Genome position (GRCh38, 1-based): chr15:89,319,244, T>C on the plus strand (A>G on the coding strand, the complement: POLG is on the minus strand). VCF-style: chr15-89319244-T-C. GRCh37 (hg19) VCF-style: chr15-89862475-T-C.
Other names: c.3088A>G, p.Arg1030Gly (NM_001126131.2); short protein forms R1030G.
Identifiers: ClinVar variation 3619339 (VCV003619339.2).

ClinVar aggregate classification (germline): Uncertain significance (1 of 4 stars; one submission).

Conditions:
Progressive sclerosing poliodystrophy (MTDPS4A). Also called: ALPERS PROGRESSIVE INFANTILE POLIODYSTROPHY; NEURONAL DEGENERATION OF CHILDHOOD WITH LIVER DISEASE, PROGRESSIVE; Alpers Syndrome; ALPERS DIFFUSE DEGENERATION OF CEREBRAL GRAY MATTER WITH HEPATIC CIRRHOSIS; Alpers-Huttenlocher Syndrome; Mitochondrial DNA depletion syndrome 4A (Alpers type). Identifiers: Orphanet 726, MedGen C0205710, MONDO:0008758, OMIM 203700.

gnomAD v4.1: 1 of 1,614,176 alleles (0.000062%); highest among the groups gnomAD compares: Non-Finnish European, 0.000085%; no homozygotes.

Submission:

Labcorp Genetics (formerly Invitae), Labcorp
Classification: Uncertain significance for Progressive sclerosing poliodystrophy. Last evaluated: 2024-04-14. Review status: criteria provided, single submitter. Criteria: Invitae Variant Classification Sherloc (09022015). Collection method: clinical testing. Allele origin: germline.
Comment: This sequence change replaces arginine, which is basic and polar, with glycine, which is neutral and non-polar, at codon 1030 of the POLG protein (p.Arg1030Gly). This variant is not present in population databases (gnomAD no frequency). This variant has not been reported in the literature in individuals affected with POLG-related conditions. Advanced modeling of protein sequence and biophysical properties (such as structural, functional, and spatial information, amino acid conservation, physicochemical variation, residue mobility, and thermodynamic stability) has been performed at Invitae for this missense variant, however the output from this modeling did not meet the statistical confidence thresholds required to predict the impact of this variant on POLG protein function. In summary, the available evidence is currently insufficient to determine the role of this variant in disease. Therefore, it has been classified as a Variant of Uncertain Significance.